The following is an entry in ClinVar:

NM_006947.4(SRP72):c.1930C>T (p.Pro644Ser)

Gene: SRP72 (signal recognition particle 72; plus strand). Cytogenetic location: 4q12.
Variant type: single nucleotide variant.
Coding change: c.1930C>T on transcript NM_006947.4 (MANE Select); coding-DNA position 1930, C replaced by T.
Protein change: p.Pro644Ser; replaces proline 644 with serine.
Molecular consequence: missense variant. On other transcripts: non-coding transcript variant (1).
Genome position (GRCh38, 1-based): chr4:56,501,775, C>T. VCF-style: chr4-56501775-C-T. GRCh37 (hg19) VCF-style: chr4-57367941-C-T.
Other names: c.1747C>T, p.Pro583Ser (NM_001267722.2); c.1930C>T (NM_006947.3); short protein forms P644S, P583S.
Identifiers: ClinVar variation 2870157 (VCV002870157.5), dbSNP rs1417876848, ClinGen allele CA357003719.
Genomic context (GRCh38, chr4:56,501,775, plus strand): 5'-ACCTCCCCAAGACCTGGCAGTGCTGCAACAGTATCTGCCTCTACAAGTAACATCATACCC[C>T]CAAGACACCAGAAACCTGCAGGGGCTCCAGCAACAAAAAAGAAACAGCAACAGAAAAAGA-3'
Protein context (NP_008878.3, residues 634-654): VSASTSNIIP[Pro644Ser]RHQKPAGAPA

ClinVar aggregate classification (germline): Uncertain significance. Review status: criteria provided, multiple submitters, no conflicts (2 of 4 stars). 3 submissions from 3 submitters: Uncertain significance (3). Last evaluated 2025-06-09.

Allele frequency attached by ClinVar (database versions not stated): gnomAD 0.00001.
gnomAD v4.1: 15 of 1,613,918 alleles (0.00093%); highest among the groups gnomAD compares: Non-Finnish European, 0.0012%; no homozygotes.

Submissions (3):

Ambry Genetics
Classification: Uncertain significance. Last evaluated: 2025-06-09. Review status: criteria provided, single submitter. Criteria: Ambry Variant Classification Scheme 2023. Collection method: clinical testing. Allele origin: germline.
Comment: The p.P644S variant (also known as c.1930C>T), located in coding exon 19 of the SRP72 gene, results from a C to T substitution at nucleotide position 1930. The proline at codon 644 is replaced by serine, an amino acid with similar properties. This amino acid position is conserved. In addition, the in silico prediction for this alteration is inconclusive. Based on the available evidence, the clinical significance of this variant remains unclear.

Labcorp Genetics (formerly Invitae), Labcorp
Classification: Uncertain significance. Last evaluated: 2024-08-14. Review status: criteria provided, single submitter. Criteria: Invitae Variant Classification Sherloc (09022015). Collection method: clinical testing. Allele origin: germline.
Comment: This sequence change replaces proline, which is neutral and non-polar, with serine, which is neutral and polar, at codon 644 of the SRP72 protein (p.Pro644Ser). The frequency data for this variant in the population databases is considered unreliable, as metrics indicate poor data quality at this position in the gnomAD database. This variant has not been reported in the literature in individuals affected with SRP72-related conditions. An algorithm developed to predict the effect of missense changes on protein structure and function (PolyPhen-2) suggests that this variant is likely to be disruptive. In summary, the available evidence is currently insufficient to determine the role of this variant in disease. Therefore, it has been classified as a Variant of Uncertain Significance.

GeneDx
Classification: Uncertain significance. Last evaluated: 2023-12-10. Review status: criteria provided, single submitter. Criteria: GeneDx Variant Classification Process June 2021. Collection method: clinical testing. Allele origin: germline. Affected: yes.
Comment: Not observed at significant frequency in large population cohorts (gnomAD); In silico analysis supports that this missense variant has a deleterious effect on protein structure/function; Has not been previously published as pathogenic or benign to our knowledge